The following is an entry in ClinVar:

ClinVar aggregate classification (germline): Uncertain significance (1 of 4 stars; one submission).

Conditions:
Peroxisome biogenesis disorder 9B. Also called: PEX7-Related Refsum Disease; PEROXISOME BIOGENESIS DISORDER, PEX7-RELATED, ATYPICAL; Refsum disease, adult, 2. Identifiers: Orphanet 773, MedGen C2749346, MONDO:0013945, OMIM 614879.

Allele frequency attached by ClinVar (database versions not stated): ExAC 0.00001; gnomAD 0.00003; ESP Exome Variant Server 0.00008; gnomAD exomes 0.00001; TOPMed 0.00003.

Submission:

Labcorp Genetics (formerly Invitae), Labcorp
Classification: Uncertain significance for Peroxisome biogenesis disorder 9B. Last evaluated: 2021-09-01. Review status: criteria provided, single submitter. Criteria: Invitae Variant Classification Sherloc (09022015). Collection method: clinical testing. Allele origin: germline.
Comment: This sequence change replaces alanine with threonine at codon 244 of the PEX7 protein (p.Ala244Thr). The alanine residue is highly conserved and there is a small physicochemical difference between alanine and threonine. This variant is present in population databases (rs375091907, ExAC 0.01%). This variant has not been reported in the literature in individuals affected with PEX7-related conditions. Algorithms developed to predict the effect of missense changes on protein structure and function are either unavailable or do not agree on the potential impact of this missense change (SIFT: "Deleterious"; PolyPhen-2: "Probably Damaging"; Align-GVGD: "Class C0"). In summary, the available evidence is currently insufficient to determine the role of this variant in disease. Therefore, it has been classified as a Variant of Uncertain Significance.

NM_000288.4(PEX7):c.730G>A (p.Ala244Thr)

Gene: PEX7 (peroxisomal biogenesis factor 7; plus strand). Cytogenetic location: 6q23.3.
Variant type: single nucleotide variant.
Coding change: c.730G>A on transcript NM_000288.4 (MANE Select); coding-DNA position 730, G replaced by A.
Protein change: p.Ala244Thr; replaces alanine 244 with threonine.
Molecular consequence: missense variant.
Genome position (GRCh38, 1-based): chr6:136,869,986, G>A. VCF-style: chr6-136869986-G-A. GRCh37 (hg19) VCF-style: chr6-137191124-G-A.
Other names: short protein forms A244T.
Identifiers: ClinVar variation 1447739 (VCV001447739.5), dbSNP rs375091907, ClinGen allele CA4017702.